The following is an entry in ClinVar:

ClinVar aggregate classification (germline): Uncertain significance (1 of 4 stars; one submission).

Conditions:
Werner syndrome (WRN). Identifiers: Orphanet 902, MedGen C0043119, MONDO:0010196, OMIM 277700.

Submission:

Labcorp Genetics (formerly Invitae), Labcorp
Classification: Uncertain significance for Werner syndrome. Last evaluated: 2025-04-30. Review status: criteria provided, single submitter. Criteria: Invitae Variant Classification Sherloc (09022015). Collection method: clinical testing. Allele origin: germline.
Comment: This sequence change replaces leucine, which is neutral and non-polar, with phenylalanine, which is neutral and non-polar, at codon 425 of the WRN protein (p.Leu425Phe). This variant is not present in population databases (gnomAD no frequency). This variant has not been reported in the literature in individuals affected with WRN-related conditions. ClinVar contains an entry for this variant (Variation ID: 999018). An algorithm developed to predict the effect of missense changes on protein structure and function (PolyPhen-2) suggests that this variant is likely to be tolerated. In summary, the available evidence is currently insufficient to determine the role of this variant in disease. Therefore, it has been classified as a Variant of Uncertain Significance.

NM_000553.6(WRN):c.1275A>C (p.Leu425Phe)

Gene: WRN (WRN RecQ like helicase; plus strand). Cytogenetic location: 8p12.
Variant type: single nucleotide variant.
Coding change: c.1275A>C on transcript NM_000553.6 (MANE Select); coding-DNA position 1275, A replaced by C.
Protein change: p.Leu425Phe; replaces leucine 425 with phenylalanine.
Molecular consequence: missense variant.
Genome position (GRCh38, 1-based): chr8:31,083,704, A>C. VCF-style: chr8-31083704-A-C. GRCh37 (hg19) VCF-style: chr8-30941220-A-C.
Other names: short protein forms L425F.
Identifiers: ClinVar variation 999018 (VCV000999018.3), dbSNP rs771486771, ClinGen allele CA370922427.